The following is an entry in ClinVar:

ClinVar aggregate classification (germline): Pathogenic/Likely pathogenic. Review status: criteria provided, multiple submitters, no conflicts (2 of 4 stars). 2 submissions from 2 submitters: Pathogenic (1); Likely pathogenic (1). Last evaluated 2024-05-14.

Conditions:
Cardioencephalomyopathy, fatal infantile, due to cytochrome c oxidase deficiency 2 (MC4DN6). Also called: MITOCHONDRIAL COMPLEX IV DEFICIENCY, NUCLEAR TYPE 6. Identifiers: Orphanet 1561, MedGen C3554534, MONDO:0014051, OMIM 615119.

Submissions (2):

Fulgent Genetics
Classification: Likely pathogenic for Cardioencephalomyopathy, fatal infantile, due to cytochrome c oxidase deficiency 2. Last evaluated: 2024-05-14. Review status: criteria provided, single submitter. Criteria: ACMG Guidelines, 2015. Collection method: clinical testing. Allele origin: germline.

Labcorp Genetics (formerly Invitae), Labcorp
Classification: Pathogenic. Last evaluated: 2023-08-02. Review status: criteria provided, single submitter. Criteria: Invitae Variant Classification Sherloc (09022015). Collection method: clinical testing. Allele origin: germline.
Comment: For these reasons, this variant has been classified as Pathogenic. This variant has not been reported in the literature in individuals affected with COX15-related conditions. This variant is not present in population databases (gnomAD no frequency). This sequence change creates a premature translational stop signal (p.Trp239*) in the COX15 gene. It is expected to result in an absent or disrupted protein product. Loss-of-function variants in COX15 are known to be pathogenic (PMID: 15863660, 21412973).

Literature cited by the submitters: PubMed 15863660 (cited by Labcorp Genetics (formerly Invitae), Labcorp); PubMed 21412973 (cited by Labcorp Genetics (formerly Invitae), Labcorp).

NM_078470.6(COX15):c.717G>A (p.Trp239Ter)

Gene: COX15 (cytochrome c oxidase assembly factor COX15; minus strand). Cytogenetic location: 10q24.2.
Variant type: single nucleotide variant.
Coding change: c.717G>A on transcript NM_078470.6 (MANE Select); coding-DNA position 717, G replaced by A.
Protein change: p.Trp239Ter; replaces tryptophan 239 with a stop codon.
Molecular consequence: nonsense. On other transcripts: non-coding transcript variant (1).
Genome position (GRCh38, 1-based): chr10:99,723,989, C>T on the plus strand (G>A on the coding strand, the complement: COX15 is on the minus strand). VCF-style: chr10-99723989-C-T. GRCh37 (hg19) VCF-style: chr10-101483746-C-T.
Other names: c.717G>A, p.Trp239Ter (NM_001320974.2, NM_001320975.2, NM_001372024.1 and 5 more transcripts); c.180G>A, p.Trp60Ter (NM_001320976.2); short protein forms W60*, W239*.
Identifiers: ClinVar variation 2791869 (VCV002791869.4), dbSNP rs886046611, ClinGen allele CA378103441.